The following is an entry in ClinVar:

NM_000053.4(ATP7B):c.3243+5G>A

Gene: ATP7B (ATPase copper transporting beta; minus strand). Cytogenetic location: 13q14.3.
Variant type: single nucleotide variant.
Coding change: c.3243+5G>A on transcript NM_000053.4 (MANE Select); 5 bases into the intron after coding-DNA position 3243, G replaced by A.
Molecular consequence: intron variant.
Genome position (GRCh38, 1-based): chr13:51,944,104, C>T on the plus strand (G>A on the coding strand, the complement: ATP7B is on the minus strand). VCF-style: chr13-51944104-C-T. GRCh37 (hg19) VCF-style: chr13-52518240-C-T.
Other names: c.2910+5G>A (NM_001243182.2); c.2622+5G>A (NM_001005918.3); c.2991+5G>A (NM_001330579.2); c.3009+5G>A (NM_001330578.2).
Identifiers: ClinVar variation 377539 (VCV000377539.37), dbSNP rs373193482, ClinGen allele CA6988773.

ClinVar aggregate classification (germline): Conflicting classifications of pathogenicity. Review status: criteria provided, conflicting classifications (1 of 4 stars). 15 submissions from 15 submitters: Pathogenic (1); Likely pathogenic (3); Uncertain significance (11). Last evaluated 2026-09-29.

Conditions:
Wilson disease (WND). Also called: Wilson's disease. Identifiers: Orphanet 905, MedGen C0019202, MONDO:0010200, OMIM 277900. Disease mechanism: loss of function.
ATP7B-related disorder. Also called: ATP7B-related condition.

Allele frequency attached by ClinVar (database versions not stated): gnomAD 0.00010 and 0.00013; ESP Exome Variant Server 0.00016; TOPMed 0.00009.
gnomAD v4.1: 367 of 1,614,040 alleles (0.023%); highest among the groups gnomAD compares: South Asian, 0.2%; 2 homozygotes.

Submissions 1 to 10 of 15:

GeneDx
Classification: Likely pathogenic. Last evaluated: 2026-09-29. Review status: criteria provided, single submitter. Criteria: GeneDx Variant Classification Process June 2021. Collection method: clinical testing. Allele origin: germline.
Comment: In silico analysis suggests that this variant does not alter splicing; This variant is associated with the following publications: (PMID: 32248359, 23518715, 34405919, 40658275, Celaj2023[preprint], 24517292, 23551039, 34324271, 33640437, 36112267, 35220961, 42000590)

PreventionGenetics, part of Exact Sciences
Classification: Uncertain significance for ATP7B-related condition. Last evaluated: 2026-06-15. Review status: criteria provided, single submitter. Criteria: ACMG Guidelines, 2015. Collection method: clinical testing. Allele origin: germline.
Comment: The ATP7B c.3243+5G>A variant is predicted to interfere with splicing. Available splicing prediction programs give conflicting results for the impact of this variant on splicing (SpliceAI, Jaganathan et al. 2019. PubMed ID: 30661751; Alamut Visual v1.13); however, the +5 position is part of the minimal donor splice region, which is clinically relevant (Lord et al. 2019. PubMed ID: 30587507; Walker et al. 2023. PubMed ID: 37352859). This variant has been reported with a second causative ATP7B variant in individuals with Wilson disease (see for example: Aggarwal et al. 2013. PubMed ID: 23551039; Table S2, Xiao et al. 2021. PubMed ID: 34324271; Lidballe et al. 2026. PubMed ID: 42000590). However, this variant is reported in 0.23% of alleles in individuals of South Asian descent in gnomAD v2, and in gnomAD v4 (available only on GRCh38), two homozygotes are reported. An alternate variant affecting the same splice site (c.3243+1G>A) has been reported in individuals with Wilson disease (Kumar et al. 2025. PubMed ID: 39535360). At this time, the clinical significance of this variant is uncertain due to the absence of conclusive functional and genetic evidence.

Natera, Inc.
Classification: Pathogenic for Wilson disease. Last evaluated: 2025-10-21. Review status: criteria provided, single submitter. Criteria: Natera Variant Classification Schema (03/2026). Collection method: clinical testing. Allele origin: germline.
Comment: The c.3243+5G>A variant in ATP7B is an intronic variant located outside the canonical splice sites. This variant is rare in the general population with a frequency below the threshold expected for the associated phenotype(s). This variant has been observed in one or more individuals affected with the associated recessive disease, as either homozygous or compound heterozygous with a second variant (PMID: 35220961, 23551039, 34324271). Computational prediction algorithms indicate this variant is likely to affect gene or protein function. Given the available evidence, this variant is classified as Pathogenic.

Mayo Clinic Laboratories, Mayo Clinic
Classification: Uncertain significance. Last evaluated: 2025-07-31. Review status: criteria provided, single submitter. Criteria: ACMG Guidelines, 2015. Collection method: clinical testing. Allele origin: germline. Observed: 4 variant alleles.
Comment: BP4, PP4, PM3

Women's Health and Genetics/Laboratory Corporation of America, LabCorp
Classification: Likely pathogenic for Wilson disease. Last evaluated: 2025-07-28. Review status: criteria provided, single submitter. Criteria: LabCorp Variant Classification Summary - May 2015. Collection method: clinical testing. Allele origin: germline.
Comment: Variant summary: ATP7B c.3243+5G>A alters a non-conserved nucleotide located close to a canonical splice site and therefore could affect mRNA splicing, leading to a significantly altered protein sequence. Several computational tools predict a significant impact on normal splicing: Three predict the variant weakens a 5' donor site. One predict the variant no significant impact on splicing. However, these predictions have yet to be confirmed by functional studies. The variant allele was found at a frequency of 0.00039 in 248946 control chromosomes. This frequency is not significantly higher than estimated for a pathogenic variant in ATP7B causing Wilson Disease (0.00039 vs 0.0054), allowing no conclusion about variant significance. c.3243+5G>A has been observed in individuals affected with Wilson Disease as a compound heterozygous genotype (e.g. Aggarwal_2013, Ferenci_2014, Collins_2021, Xiao_2021, Zhang_2022) or without reported genotype/second variant (e.g. Nagral_2023). These data indicate that the variant is likely to be associated with disease. To our knowledge, no experimental evidence demonstrating an impact on protein function has been reported. The following publications have been ascertained in the context of this evaluation (PMID: 23551039, 33640437, 24517292, 36112267, 32248359, 34324271, 35220961). ClinVar contains an entry for this variant (Variation ID: 377539). Based on the evidence outlined above, the variant was classified as likely pathogenic.

Color Diagnostics, LLC DBA Color Health
Classification: Uncertain significance for Wilson disease. Last evaluated: 2025-06-05. Review status: criteria provided, single submitter. Criteria: ACMG Guidelines, 2015. Collection method: clinical testing. Allele origin: germline.
Comment: This variant causes a G to A nucleotide substitution at the +5 position of intron 14 of the ATP7B gene. Splice site prediction tools predict that this variant may not impact RNA splicing. To our knowledge, functional studies have not been reported for this variant. This variant has been reported in the compound heterozygous state in individuals affected with Wilson disease (PMID: 23551039, 34324271). This variant occurs at an elevated allele frequency in the general population and has been identified in 98/280296 chromosomes (69/30600 South Asian chromosomes, 0.2254%) by the Genome Aggregation Database (gnomAD). The available evidence is insufficient to determine the role of this variant in disease conclusively. Therefore, this variant is classified as a Variant of Uncertain Significance.

Lildballe Lab, Aarhus University Hospital
Classification: Uncertain significance for Wilson disease. Last evaluated: 2024-08-29. Review status: criteria provided, single submitter. Criteria: ACMG Guidelines, 2015. Collection method: clinical testing. Allele origin: germline. Affected: yes.
Comment: PM2, PP3

All of Us Research Program, National Institutes of Health
Classification: Uncertain significance for Wilson disease. Last evaluated: 2024-08-06. Review status: criteria provided, single submitter. Criteria: ACMG Guidelines, 2015. Collection method: clinical testing. Allele origin: germline. Inheritance: Autosomal recessive inheritance. Observed: 51 variant alleles, 51 heterozygotes.
Comment: This variant causes a G to A nucleotide substitution at the +5 position of intron 14 of the ATP7B gene. Splice site prediction tools predict that this variant may have a significant impact on RNA splicing. Although this prediction has not been confirmed in published RNA studies, this variant is expected to result in an absent or disrupted protein product. To our knowledge, functional studies have not been reported for this variant. This variant has been reported in the compound heterozygous state in individuals affected with Wilson disease (PMID: 23551039, 34324271). This variant has been identified in 98/280296 chromosomes in the general population by the Genome Aggregation Database (gnomAD). The available evidence is insufficient to determine the role of this variant in disease conclusively. Therefore, this variant is classified as a Variant of Uncertain Significance.

This study involves interpretation of variants in research participants for the purpose of population health screening. Participant phenotype was not available at the time of variant classification. Additional details can be found in publication PMID: 35346344, PMCID: PMC8962531

Fulgent Genetics
Classification: Uncertain significance for Wilson disease. Last evaluated: 2024-02-26. Review status: criteria provided, single submitter. Criteria: ACMG Guidelines, 2015. Collection method: clinical testing. Allele origin: germline.

Victorian Clinical Genetics Services, Murdoch Childrens Research Institute
Classification: Uncertain significance for Wilson disease. Last evaluated: 2023-12-21. Review status: criteria provided, single submitter. Criteria: ACMG Guidelines, 2015. Collection method: clinical testing. Allele origin: germline. Inheritance: Autosomal recessive inheritance. Affected: yes.
Comment: Based on the classification scheme VCGS_Germline_v1.3.4, this variant is classified as VUS-3A. Following criteria are met: 0102 - Loss of function is a known mechanism of disease in this gene and is associated Wilson disease (MIM#277900). (I) 0106 - This gene is associated with autosomal recessive disease. (I) 0212 - Non-canonical splice site variant without proven consequence on splicing (no functional evidence available). (SP) 0252 - This variant is homozygous. (I) 0304 - Variant is present in gnomAD (v2) <0.01 for a recessive condition (98 heterozygotes, 0 homozygotes). (SP) 0311 - An alternative nucleotide change at the same splice site, is present in gnomAD (v2: 2 heterozygotes, 0 homozygotes). (I) 0506 - Abnormal splicing is not predicted and nucleotide is moderately conserved. (I) 0710 - Another non-canonical splice variant comparable to the one identified in this case has inconclusive previous evidence for pathogenicity. The alternative change (c.3243+5G>C) has been reported as a VUS in ClinVar. (I) 0809 - Previous evidence of pathogenicity for this variant is inconclusive. This variant has been reported multiple times as a VUS in ClinVar and in at least five individuals with Wilson's Disease with a second variant, although phasing was not confirmed (PMID: 23551039, PMID: 24517292, PMID: 34324271, PMID: 36112267). (I) 1209 - This variant has been shown to be both maternally and paternally inherited (biallelic; by trio analysis). (I) Legend: (SP) - Supporting pathogenic, (I) - Information, (SB) - Supporting benign